The following is an entry in ClinVar:

NM_152703.5(SAMD9L):c.392A>C (p.Gln131Pro)

Gene: SAMD9L (sterile alpha motif domain containing 9 like; minus strand). Cytogenetic location: 7q21.2.
Variant type: single nucleotide variant.
Coding change: c.392A>C on transcript NM_152703.5 (MANE Select); coding-DNA position 392, A replaced by C.
Protein change: p.Gln131Pro; replaces glutamine 131 with proline.
Molecular consequence: missense variant.
Genome position (GRCh38, 1-based): chr7:93,135,580, T>G on the plus strand (A>C on the coding strand, the complement: SAMD9L is on the minus strand). VCF-style: chr7-93135580-T-G. GRCh37 (hg19) VCF-style: chr7-92764893-T-G.
Other names: c.392A>C, p.Gln131Pro (NM_001303496.3, NM_001303497.3, NM_001303498.3 and 5 more transcripts); short protein forms Q131P.
Identifiers: ClinVar variation 3950027 (VCV003950027.1).

ClinVar aggregate classification (germline): Uncertain significance (1 of 4 stars; one submission).

Conditions:
Inborn genetic diseases. Identifiers: MedGen C0950123, MeSH D030342.

Submission:

Ambry Genetics
Classification: Uncertain significance for Inborn genetic diseases. Last evaluated: 2025-06-14. Review status: criteria provided, single submitter. Criteria: Ambry Variant Classification Scheme 2023. Collection method: clinical testing. Allele origin: germline.
Comment: The p.Q131P variant (also known as c.392A>C), located in coding exon 1 of the SAMD9L gene, results from an A to C substitution at nucleotide position 392. The glutamine at codon 131 is replaced by proline, an amino acid with similar properties. This amino acid position is conserved. In addition, this alteration is predicted to be tolerated by in silico analysis. Based on the available evidence, the clinical significance of this variant remains unclear.